The following is an entry in ClinVar:

ClinVar aggregate classification (germline): Uncertain significance (1 of 4 stars; one submission).

Conditions:
Bloom syndrome (BLM). Also called: Bloom-Torre-Machacek syndrome. Identifiers: Orphanet 125, MedGen C0005859, MONDO:0008876, OMIM 210900.

Submission:

Labcorp Genetics (formerly Invitae), Labcorp
Classification: Uncertain significance for Bloom syndrome. Last evaluated: 2022-04-04. Review status: criteria provided, single submitter. Criteria: Invitae Variant Classification Sherloc (09022015). Collection method: clinical testing. Allele origin: germline.
Comment: In summary, the available evidence is currently insufficient to determine the role of this variant in disease. Therefore, it has been classified as a Variant of Uncertain Significance. This sequence change replaces glutamic acid, which is acidic and polar, with lysine, which is basic and polar, at codon 14 of the BLM protein (p.Glu14Lys). This variant is not present in population databases (gnomAD no frequency). This variant has not been reported in the literature in individuals affected with BLM-related conditions. Algorithms developed to predict the effect of missense changes on protein structure and function are either unavailable or do not agree on the potential impact of this missense change (SIFT: "Tolerated"; PolyPhen-2: "Possibly Damaging"; Align-GVGD: "Class C0").

NM_000057.4(BLM):c.40G>A (p.Glu14Lys)

Gene: BLM (BLM RecQ like helicase; plus strand). Cytogenetic location: 15q26.1.
Variant type: single nucleotide variant.
Coding change: c.40G>A on transcript NM_000057.4 (MANE Select); coding-DNA position 40, G replaced by A.
Protein change: p.Glu14Lys; replaces glutamic acid 14 with lysine.
Molecular consequence: missense variant. On other transcripts: 5 prime UTR variant (1).
Genome position (GRCh38, 1-based): chr15:90,747,432, G>A. VCF-style: chr15-90747432-G-A. GRCh37 (hg19) VCF-style: chr15-91290662-G-A.
Other names: c.40G>A, p.Glu14Lys (NM_001287246.2, NM_001287247.2); c.-1252G>A (NM_001287248.2); short protein forms E14K.
Identifiers: ClinVar variation 2196005 (VCV002196005.4), dbSNP rs2505384925, ClinGen allele CA393838866.